The following is an entry in ClinVar:

ClinVar aggregate classification (germline): Uncertain significance. Review status: criteria provided, multiple submitters, no conflicts (2 of 4 stars). 2 submissions from 2 submitters: Uncertain significance (2). Last evaluated 2025-02-21.

Conditions:
Inborn genetic diseases. Identifiers: MedGen C0950123, MeSH D030342.

Allele frequency attached by ClinVar (database versions not stated): gnomAD exomes 0.00001; TOPMed 0.00001; ExAC 0.00002.
gnomAD v4.1: 5 of 1,614,210 alleles (0.00031%); highest among the groups gnomAD compares: Admixed American, 0.0067%; no homozygotes.

Submissions (2):

Ambry Genetics
Classification: Uncertain significance for Inborn genetic diseases. Last evaluated: 2025-02-21. Review status: criteria provided, single submitter. Criteria: Ambry Variant Classification Scheme 2023. Collection method: clinical testing. Allele origin: germline.

Labcorp Genetics (formerly Invitae), Labcorp
Classification: Uncertain significance. Last evaluated: 2022-12-03. Review status: criteria provided, single submitter. Criteria: Invitae Variant Classification Sherloc (09022015). Collection method: clinical testing. Allele origin: germline.
Comment: In summary, the available evidence is currently insufficient to determine the role of this variant in disease. Therefore, it has been classified as a Variant of Uncertain Significance. Advanced modeling of protein sequence and biophysical properties (such as structural, functional, and spatial information, amino acid conservation, physicochemical variation, residue mobility, and thermodynamic stability) performed at Invitae indicates that this missense variant is not expected to disrupt LRP5 protein function. This variant has not been reported in the literature in individuals affected with LRP5-related conditions. This variant is present in population databases (rs751521743, gnomAD 0.01%). This sequence change replaces glutamic acid, which is acidic and polar, with lysine, which is basic and polar, at codon 1056 of the LRP5 protein (p.Glu1056Lys).

NM_002335.4(LRP5):c.3166G>A (p.Glu1056Lys)

Gene: LRP5 (LDL receptor related protein 5; plus strand). Cytogenetic location: 11q13.2.
Variant type: single nucleotide variant.
Coding change: c.3166G>A on transcript NM_002335.4 (MANE Select); coding-DNA position 3166, G replaced by A.
Protein change: p.Glu1056Lys; replaces glutamic acid 1056 with lysine.
Molecular consequence: missense variant.
Genome position (GRCh38, 1-based): chr11:68,423,627, G>A. VCF-style: chr11-68423627-G-A. GRCh37 (hg19) VCF-style: chr11-68191095-G-A.
Other names: c.1423G>A, p.Glu475Lys (NM_001291902.2); c.3166G>A (NM_002335.2); short protein forms E475K, E1056K.
Identifiers: ClinVar variation 1971146 (VCV001971146.6), dbSNP rs751521743, ClinGen allele CA6149864.